The following is an entry in ClinVar:

NM_001080.3(ALDH5A1):c.844T>G (p.Phe282Val)

Gene: ALDH5A1 (aldehyde dehydrogenase 5 family member A1; plus strand). Cytogenetic location: 6p22.3.
Variant type: single nucleotide variant.
Coding change: c.844T>G on transcript NM_001080.3 (MANE Select); coding-DNA position 844, T replaced by G.
Protein change: p.Phe282Val; replaces phenylalanine 282 with valine.
Molecular consequence: missense variant. On other transcripts: intron variant (1).
Genome position (GRCh38, 1-based): chr6:24,515,284, T>G. VCF-style: chr6-24515284-T-G. GRCh37 (hg19) VCF-style: chr6-24515512-T-G.
Other names: c.883T>G, p.Phe295Val (NM_170740.1); c.727-5117T>G (NM_001368954.1); short protein forms F295V, F282V.
Identifiers: ClinVar variation 1496165 (VCV001496165.7), dbSNP rs2127385891, ClinGen allele CA362972082.

ClinVar aggregate classification (germline): Uncertain significance (1 of 4 stars; one submission).

Conditions:
Succinate-semialdehyde dehydrogenase deficiency (SSADHD). Also called: Succinic Semialdehyde Dehydrogenase Deficiency; SSADH DEFICIENCY; 4-HYDROXYBUTYRIC ACIDURIA; GABA METABOLIC DEFECT. Identifiers: Orphanet 22, MedGen C0268631, MONDO:0010083, OMIM 271980.

Submission:

Labcorp Genetics (formerly Invitae), Labcorp
Classification: Uncertain significance for Succinate-semialdehyde dehydrogenase deficiency. Last evaluated: 2021-04-09. Review status: criteria provided, single submitter. Criteria: Invitae Variant Classification Sherloc (09022015). Collection method: clinical testing. Allele origin: germline.
Comment: This sequence change replaces phenylalanine with valine at codon 282 of the ALDH5A1 protein (p.Phe282Val). The phenylalanine residue is highly conserved and there is a small physicochemical difference between phenylalanine and valine. This variant is not present in population databases (ExAC no frequency). This variant has not been reported in the literature in individuals with ALDH5A1-related conditions. Advanced modeling of protein sequence and biophysical properties (such as structural, functional, and spatial information, amino acid conservation, physicochemical variation, residue mobility, and thermodynamic stability) performed at Invitae indicates that this missense variant is expected to disrupt ALDH5A1 protein function. In summary, the available evidence is currently insufficient to determine the role of this variant in disease. Therefore, it has been classified as a Variant of Uncertain Significance.